The following is an entry in ClinVar:

ClinVar aggregate classification (germline): Uncertain significance. Review status: criteria provided, multiple submitters, no conflicts (2 of 4 stars). 2 submissions from 2 submitters: Uncertain significance (2). Last evaluated 2024-02-12.

Conditions:
Polycystic kidney disease 4 (PKD4). Also called: POLYCYSTIC KIDNEY AND HEPATIC DISEASE 1; POLYCYSTIC KIDNEY DISEASE, INFANTILE, TYPE I; PKD3; Autosomal Recessive Polycystic Kidney Disease – PKHD1; POLYCYSTIC KIDNEY DISEASE 4 WITH OR WITHOUT POLYCYSTIC LIVER DISEASE. Identifiers: MedGen C4540575, MONDO:0033004, OMIM 263200.
PKHD1-related disorder. Also called: PKHD1-related condition.

Allele frequency attached by ClinVar (database versions not stated): gnomAD exomes below 0.00001; ExAC 0.00001; TOPMed 0.00002.
gnomAD v4.1: 1 of 1,610,696 alleles (0.000062%); highest among the groups gnomAD compares: South Asian, 0.0011%; no homozygotes.

Submissions (2):

Fulgent Genetics
Classification: Uncertain significance for Polycystic kidney disease 4. Last evaluated: 2024-02-12. Review status: criteria provided, single submitter. Criteria: ACMG Guidelines, 2015. Collection method: clinical testing. Allele origin: germline.

PreventionGenetics, part of Exact Sciences
Classification: Uncertain significance for PKHD1-related condition. Last evaluated: 2022-08-28. Review status: criteria provided, single submitter. Criteria: ACMG Guidelines, 2015. Collection method: clinical testing. Allele origin: germline.
Comment: The PKHD1 c.11717A>G variant is predicted to result in the amino acid substitution p.His3906Arg. To our knowledge, this variant has not been reported in the literature. This variant is reported in 0.0062% of alleles in individuals of African descent in gnomAD. At this time, the clinical significance of this variant is uncertain due to the absence of conclusive functional and genetic evidence.

NM_138694.4(PKHD1):c.11717A>G (p.His3906Arg)

Gene: PKHD1 (PKHD1 ciliary IPT domain containing fibrocystin/polyductin; minus strand). Cytogenetic location: 6p12.3.
Variant type: single nucleotide variant.
Coding change: c.11717A>G on transcript NM_138694.4 (MANE Select); coding-DNA position 11717, A replaced by G.
Protein change: p.His3906Arg; replaces histidine 3906 with arginine.
Molecular consequence: missense variant.
Genome position (GRCh38, 1-based): chr6:51,627,065, T>C on the plus strand (A>G on the coding strand, the complement: PKHD1 is on the minus strand). VCF-style: chr6-51627065-T-C. GRCh37 (hg19) VCF-style: chr6-51491863-T-C.
Other names: short protein forms H3906R.
Identifiers: ClinVar variation 2636385 (VCV002636385.2), dbSNP rs767963697, ClinGen allele CA3850726.
Genomic context (GRCh38, chr6:51,627,065, plus strand): 5'-ACCACAGTGTCTTCTTTTTTGGGCCCTTGTGATTCTCGGCGTTTGGATGAGATGTGGATA[T>C]GAATATTTTGATTATTAGTCTGGGATTCAGGAATCTCTTCAGGTTTTGTTTCTGTATTAA-3'
Protein context (NP_619639.3, residues 3896-3916): PESQTNNQNI[His3906Arg]IHISSKRRES